The following is an entry in ClinVar:

ClinVar aggregate classification (germline): Uncertain significance (1 of 4 stars; one submission).

Conditions:
Tibial muscular dystrophy (TMD). Also called: UDD MYOPATHY; Tibial muscular dystrophy, tardive; Udd Distal Myopathy – Tibial Muscular Dystrophy. Identifiers: Orphanet 609, MedGen C1838244, MONDO:0010870, OMIM 600334.

gnomAD v4.1: 1 of 1,613,334 alleles (0.000062%); highest among the groups gnomAD compares: Middle Eastern, 0.017%; no homozygotes.

Submission:

OLLIN Analises Genomicas, OLLIN
Classification: Uncertain significance for Tibial muscular dystrophy. Last evaluated: 2026-08-06. Review status: criteria provided, single submitter. Criteria: ACMG Guidelines 2015 PMID 25741868. Collection method: clinical testing. Allele origin: germline. Inheritance: Autosomal dominant inheritance.
Comment: This missense variant, located in exon 303 (of 363), has been observed in gnomAD with an allele frequency of 0.000062%, but has not been reported in ClinVar or identified in the literature. In silico analysis predicts that this variant has a tolerated effect. According to the currently available evidence, this variant has been classified as uncertain significance (PM2_P, BP4).

NM_001267550.2(TTN):c.60084G>C (p.Lys20028Asn)

Genes: TTN (titin; minus strand), TTN-AS1 (TTN antisense RNA 1; plus strand), LOC126806424 (CDK7 strongly-dependent group 2 enhancer GRCh37_chr2:179456337-179457536; plus strand). Cytogenetic location: 2q31.2.
Variant type: single nucleotide variant.
Coding change: c.60084G>C on transcript NM_001267550.2 (MANE Select); coding-DNA position 60084, G replaced by C.
Protein change: p.Lys20028Asn; replaces lysine 20028 with asparagine.
Molecular consequence: missense variant.
Genome position (GRCh38, 1-based): chr2:178,591,735, C>G on the plus strand (G>C on the coding strand, the complement: TTN is on the minus strand). VCF-style: chr2-178591735-C-G. GRCh37 (hg19) VCF-style: chr2-179456462-C-G.
Other names: c.55161G>C, p.Lys18387Asn (NM_001256850.1); c.32889G>C, p.Lys10963Asn (NM_003319.4); c.52380G>C, p.Lys17460Asn (NM_133378.4); c.33264G>C, p.Lys11088Asn (NM_133432.3); c.33465G>C, p.Lys11155Asn (NM_133437.4); short protein forms K10963N, K11155N, K20028N, K11088N, K18387N, K17460N.
Identifiers: ClinVar variation 5002941 (VCV005002941.1).